The following is an entry in ClinVar:

NM_000455.5(STK11):c.51G>A (p.Leu17=)

Gene: STK11 (serine/threonine kinase 11; plus strand). Cytogenetic location: 19p13.3.
Variant type: single nucleotide variant.
Coding change: c.51G>A on transcript NM_000455.5 (MANE Select); coding-DNA position 51, G replaced by A.
Protein change: p.Leu17=; no amino-acid change (leucine 17 retained).
Molecular consequence: synonymous variant. On other transcripts: non-coding transcript variant (1).
Genome position (GRCh38, 1-based): chr19:1,206,964, G>A. VCF-style: chr19-1206964-G-A. GRCh37 (hg19) VCF-style: chr19-1206963-G-A.
Other names: c.51G>A, p.Leu17= (NM_001407255.1).
Identifiers: ClinVar variation 2036405 (VCV002036405.5), dbSNP rs747435838, ClinGen allele CA504706083.

ClinVar aggregate classification (germline): Benign/Likely benign. Review status: criteria provided, multiple submitters, no conflicts (2 of 4 stars). 2 submissions from 2 submitters: Benign (1); Likely benign (1). Last evaluated 2025-03-24.

Conditions:
Peutz-Jeghers syndrome (PJS). Also called: POLYPOSIS, HAMARTOMATOUS INTESTINAL; POLYPS-AND-SPOTS SYNDROME; Peutz-Jeghers polyposis; Periorificial lentiginosis syndrome. Identifiers: Orphanet 2869, MedGen C0031269, MeSH D010580, MONDO:0008280, OMIM 175200.

Allele frequency attached by ClinVar (database versions not stated): gnomAD exomes below 0.00001.
gnomAD v4.1: 1 of 1,610,240 alleles (0.000062%); highest among the groups gnomAD compares: Non-Finnish European, 0.000085%; no homozygotes.

Submissions (2):

Myriad Genetics, Inc.
Classification: Benign for Peutz-Jeghers syndrome. Last evaluated: 2025-03-24. Review status: criteria provided, single submitter. Criteria: Myriad Autosomal Dominant, Autosomal Recessive and X-Linked Classification Criteria (2023). Collection method: clinical testing. Allele origin: unknown.
Comment: This variant is considered benign. This variant is a silent/synonymous amino acid change and it is not expected to impact splicing.

Labcorp Genetics (formerly Invitae), Labcorp
Classification: Likely benign for Peutz-Jeghers syndrome. Last evaluated: 2021-12-07. Review status: criteria provided, single submitter. Criteria: Invitae Variant Classification Sherloc (09022015). Collection method: clinical testing. Allele origin: germline.